The following is an entry in ClinVar:

ClinVar aggregate classification (germline): Uncertain significance. Review status: criteria provided, multiple submitters, no conflicts (2 of 4 stars). 3 submissions from 3 submitters: Uncertain significance (3). Last evaluated 2026-01-16.

Conditions:
Cardiovascular phenotype. Identifiers: MedGen CN230736.
Brugada syndrome 8 (BRGDA8). Identifiers: Orphanet 130, MedGen C2751083, MONDO:0013148, OMIM 613123.

Allele frequency attached by ClinVar (database versions not stated): gnomAD exomes 0.00001; gnomAD 0.00002; TOPMed 0.00003; ExAC 0.00010.
gnomAD v4.1: 22 of 1,439,024 alleles (0.0015%); highest among the groups gnomAD compares: Non-Finnish European, 0.0019%; no homozygotes.

Submissions (3):

Labcorp Genetics (formerly Invitae), Labcorp
Classification: Uncertain significance for Brugada syndrome 8. Last evaluated: 2026-01-16. Review status: criteria provided, single submitter. Criteria: Invitae Variant Classification Sherloc (09022015). Collection method: clinical testing. Allele origin: germline.
Comment: This sequence change replaces proline, which is neutral and non-polar, with histidine, which is basic and polar, at codon 1066 of the HCN4 protein (p.Pro1066His). The frequency data for this variant in the population databases is considered unreliable, as metrics indicate poor data quality at this position in the gnomAD database. This variant has not been reported in the literature in individuals affected with HCN4-related conditions. ClinVar contains an entry for this variant (Variation ID: 198829). Invitae Evidence Modeling of protein sequence and biophysical properties (such as structural, functional, and spatial information, amino acid conservation, physicochemical variation, residue mobility, and thermodynamic stability) indicates that this missense variant is not expected to disrupt HCN4 protein function with a negative predictive value of 95%. In summary, the available evidence is currently insufficient to determine the role of this variant in disease. Therefore, it has been classified as a Variant of Uncertain Significance.

Ambry Genetics
Classification: Uncertain significance for Cardiovascular phenotype. Last evaluated: 2025-06-23. Review status: criteria provided, single submitter. Criteria: Ambry Variant Classification Scheme 2023. Collection method: clinical testing. Allele origin: germline.
Comment: The p.P1066H variant (also known as c.3197C>A), located in coding exon 8 of the HCN4 gene, results from a C to A substitution at nucleotide position 3197. The proline at codon 1066 is replaced by histidine, an amino acid with similar properties. This variant has been detected in two brothers with thoracic aortic disease; however, clinical details were limited (Hanania HL et al. Circ Genom Precis Med, 2019 12;12:e002626). This amino acid position is not well conserved in available vertebrate species, and histidine is the reference amino acid in other vertebrate species. In addition, the in silico prediction for this alteration is inconclusive. Since supporting evidence is limited at this time, the clinical significance of this alteration remains unclear.

Eurofins Ntd Llc (ga)
Classification: Uncertain significance. Last evaluated: 2014-06-24. Review status: criteria provided, single submitter. Criteria: EGL Classification Definitions 2015. Collection method: clinical testing. Allele origin: germline. Observed: 2 variant alleles, 2 heterozygotes.

Literature cited by the submitters: PubMed 31731876 (cited by Ambry Genetics).

NM_005477.3(HCN4):c.3197C>A (p.Pro1066His)

Gene: HCN4 (hyperpolarization activated cyclic nucleotide gated potassium channel 4; minus strand). Cytogenetic location: 15q24.1.
Variant type: single nucleotide variant.
Coding change: c.3197C>A on transcript NM_005477.3 (MANE Select); coding-DNA position 3197, C replaced by A.
Protein change: p.Pro1066His; replaces proline 1066 with histidine.
Molecular consequence: missense variant.
Genome position (GRCh38, 1-based): chr15:73,322,896, G>T on the plus strand (C>A on the coding strand, the complement: HCN4 is on the minus strand). VCF-style: chr15-73322896-G-T. GRCh37 (hg19) VCF-style: chr15-73615237-G-T.
Other names: short protein forms P1066H.
Identifiers: ClinVar variation 198829 (VCV000198829.29), dbSNP rs765155640, ClinGen allele CA247667.